The following is an entry in ClinVar:

ClinVar aggregate classification (germline): Pathogenic. Review status: criteria provided, single submitter (1 of 4 stars). 3 submissions from 3 submitters: Pathogenic (1). 2 of the submissions do not count toward it. Last evaluated 2022-11-29.

Conditions:
Lissencephaly 10. Identifiers: MedGen C5394354, MONDO:0030031, OMIM 618873.
Posterior Predominant Lissencephaly.

Submissions (3):

Institute of Human Genetics, University of Leipzig Medical Center
Classification: Pathogenic for Lissencephaly 10. Last evaluated: 2022-11-29. Review status: criteria provided, single submitter. Criteria: ACMG Guidelines, 2015. Collection method: clinical testing. Allele origin: unknown. Inheritance: Autosomal dominant inheritance. Affected: yes.
Comment: Criteria applied: PVS1,PS2,PS3,PS4_MOD,PM5,PM2_SUP,PP4

OMIM
Classification: Pathogenic for LISSENCEPHALY 10. Last evaluated: 2020-05-08. Review status: no assertion criteria provided. Collection method: literature only. Allele origin: germline. Not counted in ClinVar's aggregate classification.

University of Washington Center for Mendelian Genomics, University of Washington
Classification: Likely pathogenic for Posterior Predominant Lissencephaly. Review status: no assertion criteria provided. Collection method: literature only. Allele origin: de novo. Affected: yes. Not counted in ClinVar's aggregate classification.

Literature cited by the submitters: PubMed 32097630 (cited by OMIM and University of Washington Center for Mendelian Genomics, University of Washington).

NM_001042475.3(CEP85L):c.2T>C (p.Met1Thr)

Genes: CEP85L (centrosomal protein 85 like; minus strand), LOC129997071 (ATAC-STARR-seq lymphoblastoid silent region 17501; plus strand). Cytogenetic location: 6q22.31.
Variant type: single nucleotide variant.
Coding change: c.2T>C on transcript NM_001042475.3 (MANE Select); coding-DNA position 2, T replaced by C.
Protein change: p.Met1Thr; changes the start codon (methionine 1).
Molecular consequence: missense variant, initiator codon variant. On other transcripts: intron variant (1).
Genome position (GRCh38, 1-based): chr6:118,651,268, A>G on the plus strand (T>C on the coding strand, the complement: CEP85L is on the minus strand). VCF-style: chr6-118651268-A-G. GRCh37 (hg19) VCF-style: chr6-118972431-A-G.
Other names: c.1T>C (NM_001042475.3); c.2T>C, p.Met1Thr (NM_206921.3); c.82+1432T>C (NM_001178035.2); short protein forms M1T.
Identifiers: ClinVar variation 872889 (VCV000872889.6), dbSNP rs1775537467, ClinGen allele CA365541444.
Genomic context (GRCh38, chr6:118,651,268, plus strand): 5'-CTGCGGGCTCCGCCGGGGCTATCCCGGCCGCTGGCCTCCGGAGCCAGGAAGCGCCCCCAC[A>G]TCGCGGGCGAGAGGGCCGGGTGGGCCAGGGACGCCCGACTCCTCACGTCCGTCCTCCTGC-3'
Protein context (NP_001035940.1, residues 1-11): [Met1Thr]WGRFLAPEAS